The following is an entry in ClinVar:

NM_020719.3(PRR12):c.4475C>T (p.Thr1492Met)

Gene: PRR12 (proline rich 12; plus strand). Cytogenetic location: 19q13.33.
Variant type: single nucleotide variant.
Coding change: c.4475C>T on transcript NM_020719.3 (MANE Select); coding-DNA position 4475, C replaced by T.
Protein change: p.Thr1492Met; replaces threonine 1492 with methionine.
Molecular consequence: missense variant.
Genome position (GRCh38, 1-based): chr19:49,601,620, C>T. VCF-style: chr19-49601620-C-T. GRCh37 (hg19) VCF-style: chr19-50104877-C-T.
Other names: c.4475C>T (NM_020719.1); short protein forms T1492M.
Identifiers: ClinVar variation 2650266 (VCV002650266.25), dbSNP rs376787265, ClinGen allele CA9578491.

ClinVar aggregate classification (germline): Likely benign. Review status: criteria provided, multiple submitters, no conflicts (2 of 4 stars). 2 submissions from 2 submitters: Likely benign (2). Last evaluated 2025-08-29.

Conditions:
Inborn genetic diseases. Identifiers: MedGen C0950123, MeSH D030342.

Allele frequency attached by ClinVar (database versions not stated): gnomAD exomes 0.00029; ExAC 0.00068; ESP Exome Variant Server 0.00130; gnomAD 0.00304; TOPMed 0.00352; 1000 Genomes Project 30x 0.00359; 1000 Genomes Project 0.00379.
gnomAD v4.1: 886 of 1,542,044 alleles (0.057%); highest among the groups gnomAD compares: African/African-American, 1.1%; 4 homozygotes.

Submissions (2):

Ambry Genetics
Classification: Likely benign for Inborn genetic diseases. Last evaluated: 2025-08-29. Review status: criteria provided, single submitter. Criteria: Ambry Variant Classification Scheme 2023. Collection method: clinical testing. Allele origin: germline.

CeGaT Center for Human Genetics Tuebingen
Classification: Likely benign. Last evaluated: 2023-02-01. Review status: criteria provided, single submitter. Criteria: CeGaT Center For Human Genetics Tuebingen Variant Classification Criteria Version 2. Collection method: clinical testing. Allele origin: germline. Affected: yes. Observed: 1 variant allele.
Comment: PRR12: BS1